The following is an entry in ClinVar:

ClinVar aggregate classification (germline): Benign. Review status: criteria provided, multiple submitters, no conflicts (2 of 4 stars). 10 submissions from 10 submitters: Benign (8). 2 of the submissions do not count toward it. Last evaluated 2026-02-03.

Conditions:
Autosomal recessive nonsyndromic hearing loss 30. Identifiers: Orphanet 90636, MedGen C1846784, MONDO:0011774, OMIM 607101.

Allele frequency attached by ClinVar (database versions not stated): 1000 Genomes Project 30x 0.37804; 1000 Genomes Project 0.38059; TOPMed 0.38697; ESP Exome Variant Server 0.39551; gnomAD 0.39847 and 0.40158; gnomAD exomes 0.41177 and 0.42764; ExAC 0.41452.
gnomAD v4.1: 685,957 of 1,613,914 alleles (43%); highest among the groups gnomAD compares: Middle Eastern, 49%; 146,995 homozygotes.

Submissions (10):

Labcorp Genetics (formerly Invitae), Labcorp
Classification: Benign. Last evaluated: 2026-02-03. Review status: criteria provided, single submitter. Criteria: Invitae Variant Classification Sherloc (09022015). Collection method: clinical testing. Allele origin: germline.

Genome-Nilou Lab
Classification: Benign for Autosomal recessive nonsyndromic hearing loss 30. Last evaluated: 2021-09-05. Review status: criteria provided, single submitter. Criteria: ACMG Guidelines, 2015. Collection method: clinical testing. Allele origin: germline. Affected: no.

Mayo Clinic Laboratories, Mayo Clinic
Classification: Benign. Last evaluated: 2020-08-26. Review status: criteria provided, single submitter. Criteria: ACMG Guidelines, 2015. Collection method: clinical testing. Allele origin: germline. Observed: 107 variant alleles.

Illumina Laboratory Services, Illumina
Classification: Benign for Autosomal recessive nonsyndromic hearing loss 30. Last evaluated: 2018-01-12. Review status: criteria provided, single submitter. Criteria: ICSL Variant Classification Criteria 13 December 2019. Collection method: clinical testing. Allele origin: germline.
Comment: This variant was observed in the ICSL laboratory as part of a predisposition screen in an ostensibly healthy population. It had not been previously curated by ICSL or reported in the Human Gene Mutation Database (HGMD: prior to June 1st, 2018), and was therefore a candidate for classification through an automated scoring system. Utilizing variant allele frequency, disease prevalence and penetrance estimates, and inheritance mode, an automated score was calculated to assess if this variant is too frequent to cause the disease. Based on the score and internal cut-off values, a variant classified as benign is not then subjected to further curation. The score for this variant resulted in a classification of benign for this disease.

GeneDx
Classification: Benign. Last evaluated: 2017-05-09. Review status: criteria provided, single submitter. Criteria: GeneDx Variant Classification (06012015). Collection method: clinical testing. Allele origin: germline. Affected: yes.
Comment: This variant is considered likely benign or benign based on one or more of the following criteria: it is a conservative change, it occurs at a poorly conserved position in the protein, it is predicted to be benign by multiple in silico algorithms, and/or has population frequency not consistent with disease.

Laboratory for Molecular Medicine, Mass General Brigham Personalized Medicine
Classification: Benign. Last evaluated: 2012-05-07. Review status: criteria provided, single submitter. Criteria: LMM Criteria. Collection method: clinical testing. Allele origin: germline. Observed: 1,082 variant alleles.
Comment: Thr1284Ser in Exon 30 of MYO3A: This variant is not expected to have clinical si gnificance because it has been identified in 43.2% (3032/7020) of European Ameri can chromosomes from a broad population by the NHLBI Exome Sequencing Project (dbSNP rs3740231).

Breakthrough Genomics
Classification: Benign. Review status: criteria provided, single submitter. Criteria: ACMG Guidelines, 2015. Collection method: not provided. Allele origin: germline. Inheritance: Autosomal recessive inheritance. Affected: yes.

PreventionGenetics, part of Exact Sciences
Classification: Benign. Review status: criteria provided, single submitter. Criteria: ACMG Guidelines, 2015. Collection method: clinical testing. Allele origin: germline.

Diagnostic Laboratory, Department of Genetics, University Medical Center Groningen
Classification: Benign. Review status: no assertion criteria provided. Collection method: clinical testing. Allele origin: germline. Affected: yes. Study: VKGL Data-share Consensus. Not counted in ClinVar's aggregate classification.

Joint Genome Diagnostic Labs from Nijmegen and Maastricht, Radboudumc and MUMC+
Classification: Benign. Review status: no assertion criteria provided. Collection method: clinical testing. Allele origin: germline. Affected: yes. Study: VKGL Data-share Consensus. Not counted in ClinVar's aggregate classification.

NM_017433.5(MYO3A):c.3850A>T (p.Thr1284Ser)

Gene: MYO3A (myosin IIIA; plus strand). Cytogenetic location: 10p12.1.
Variant type: single nucleotide variant.
Coding change: c.3850A>T on transcript NM_017433.5 (MANE Select); coding-DNA position 3850, A replaced by T.
Protein change: p.Thr1284Ser; replaces threonine 1284 with serine.
Molecular consequence: missense variant.
Genome position (GRCh38, 1-based): chr10:26,174,114, A>T. VCF-style: chr10-26174114-A-T. GRCh37 (hg19) VCF-style: chr10-26463043-A-T.
Other names: short protein forms T1284S.
Identifiers: ClinVar variation 45809 (VCV000045809.26), dbSNP rs3740231, ClinGen allele CA137079.